The following is an entry in ClinVar:

NM_031433.4(MFRP):c.1124+1G>T

Genes: C1QTNF5 (C1q and TNF related 5; minus strand), MFRP (membrane frizzled-related protein; minus strand). Cytogenetic location: 11q23.3.
Variant type: single nucleotide variant.
Coding change: c.1124+1G>T on transcript NM_031433.4 (MANE Select); the canonical splice donor site of the intron after coding-DNA position 1124, G replaced by T.
Molecular consequence: splice donor variant.
Genome position (GRCh38, 1-based): chr11:119,343,815, C>A on the plus strand (G>T on the coding strand, the complement: MFRP is on the minus strand). VCF-style: chr11-119343815-C-A. GRCh37 (hg19) VCF-style: chr11-119214525-C-A.
Other names: c.-1513+1G>T (NM_015645.5).
Identifiers: ClinVar variation 631652 (VCV000631652.16), dbSNP rs145719998, ClinGen allele CA6320251.

ClinVar aggregate classification (germline): Pathogenic/Likely pathogenic. Review status: criteria provided, multiple submitters, no conflicts (2 of 4 stars). 3 submissions from 3 submitters: Pathogenic (2); Likely pathogenic (1). Last evaluated 2026-01-14.

Conditions:
Isolated microphthalmia 5. Also called: Posterior Microphthalmia with Retinitis Pigmentosa, Foveoschisis, and Optic Disc Drusen. Identifiers: Orphanet 251279, MedGen C1970236, MONDO:0012605, OMIM 611040.
Nanophthalmos 2 (NNO2). Also called: NANOPHTHALMIA 2; NANOPHTHALMOS, AUTOSOMAL RECESSIVE. Identifiers: Orphanet 35612, MedGen C1836006, MONDO:0012299, OMIM 609549.
C1QTNF5 & MFRP-related disorders.

Allele frequency attached by ClinVar (database versions not stated): gnomAD exomes 0.00006; TOPMed 0.00008; 1000 Genomes Project 0.00020; ESP Exome Variant Server 0.00015; 1000 Genomes Project 30x 0.00016; ExAC 0.00005; gnomAD 0.00011.
gnomAD v4.1: 271 of 1,613,852 alleles (0.017%); highest among the groups gnomAD compares: Non-Finnish European, 0.02%; no homozygotes.

Submissions (3):

Labcorp Genetics (formerly Invitae), Labcorp
Classification: Pathogenic for Isolated microphthalmia 5. Last evaluated: 2026-01-14. Review status: criteria provided, single submitter. Criteria: Invitae Variant Classification Sherloc (09022015). Collection method: clinical testing. Allele origin: germline.
Comment: This sequence change affects a donor splice site in intron 9 of the MFRP gene. It is expected to disrupt RNA splicing. Variants that disrupt the donor or acceptor splice site typically lead to a loss of protein function (PMID: 16199547), and loss-of-function variants in MFRP are known to be pathogenic (PMID: 12140190, 15976030, 20361016). This variant is present in population databases (rs145719998, gnomAD 0.01%). Disruption of this splice site has been observed in individual(s) with retinitis pigmentosa (PMID: 22142163, 25097241). In at least one individual the data is consistent with being in trans (on the opposite chromosome) from a pathogenic variant. ClinVar contains an entry for this variant (Variation ID: 631652). Algorithms developed to predict the effect of sequence changes on RNA splicing suggest that this variant may disrupt the consensus splice site. For these reasons, this variant has been classified as Pathogenic.

Blueprint Genetics
Classification: Pathogenic for C1QTNF5 & MFRP-related disorders. Last evaluated: 2024-10-07. Review status: criteria provided, single submitter. Criteria: ACMG Guidelines, 2015. Collection method: clinical testing. Allele origin: germline. Affected: yes. Observed: 5 variant alleles.

Department of Pathology and Laboratory Medicine, Sinai Health System
Classification: Likely pathogenic for Nanophthalmos 2; Isolated microphthalmia 5. Last evaluated: 2023-04-08. Review status: criteria provided, single submitter. Criteria: ACMG Guidelines, 2015. Collection method: research. Allele origin: germline.

Literature cited by the submitters: PubMed 16199547 (cited by Labcorp Genetics (formerly Invitae), Labcorp); PubMed 12140190 (cited by Labcorp Genetics (formerly Invitae), Labcorp); PubMed 15976030 (cited by Labcorp Genetics (formerly Invitae), Labcorp); PubMed 20361016 (cited by Labcorp Genetics (formerly Invitae), Labcorp); PubMed 22142163 (cited by Labcorp Genetics (formerly Invitae), Labcorp); PubMed 25097241 (cited by Labcorp Genetics (formerly Invitae), Labcorp).